The following is an entry in ClinVar:

NM_001378418.1(TCF20):c.4085C>G (p.Pro1362Arg)

Gene: TCF20 (transcription factor 20; minus strand). Cytogenetic location: 22q13.2.
Variant type: single nucleotide variant.
Coding change: c.4085C>G on transcript NM_001378418.1 (MANE Select); coding-DNA position 4085, C replaced by G.
Protein change: p.Pro1362Arg; replaces proline 1362 with arginine.
Molecular consequence: missense variant.
Genome position (GRCh38, 1-based): chr22:42,211,221, G>C on the plus strand (C>G on the coding strand, the complement: TCF20 is on the minus strand). VCF-style: chr22-42211221-G-C. GRCh37 (hg19) VCF-style: chr22-42607227-G-C.
Other names: c.4085C>G, p.Pro1362Arg (NM_005650.4, NM_181492.3); short protein forms P1362R.
Identifiers: ClinVar variation 4886219 (VCV004886219.2).

ClinVar aggregate classification (germline): Uncertain significance (1 of 4 stars; one submission).

Submission:

Dasa
Classification: Uncertain significance. Last evaluated: 2025-08-12. Review status: criteria provided, single submitter. Criteria: DASA Assertion Criteria. Collection method: clinical testing. Allele origin: germline.
Comment: NM_001378418.1(TCF20):c.4085C>G (p.Pro1362Arg) is a missense variant that results in the substitution of proline with arginine. This variant is absent from population databases. Computational prediction algorithms are consistent with a deleterious effect. The currently available literature and clinical evidence are not sufficient to establish a definitive association between this variant and the reported condition. Therefore, this variant is classified as a variant of uncertain significance.